The following is an entry in ClinVar:

NM_025137.4(SPG11):c.3039-2A>C

Gene: SPG11 (SPG11 vesicle trafficking associated, spatacsin; minus strand). Cytogenetic location: 15q21.1.
Variant type: single nucleotide variant.
Coding change: c.3039-2A>C on transcript NM_025137.4 (MANE Select); the canonical splice acceptor site of the intron before coding-DNA position 3039, A replaced by C.
Molecular consequence: splice acceptor variant.
Genome position (GRCh38, 1-based): chr15:44,613,538, T>G on the plus strand (A>C on the coding strand, the complement: SPG11 is on the minus strand). VCF-style: chr15-44613538-T-G. GRCh37 (hg19) VCF-style: chr15-44905736-T-G.
Other names: c.3039-2A>C (NM_001411132.1, NM_001160227.2).
Identifiers: ClinVar variation 4770510 (VCV004770510.1).

ClinVar aggregate classification (germline): Likely pathogenic (1 of 4 stars; one submission).

Conditions:
Hereditary spastic paraplegia 11. Also called: Spastic paraplegia, mental retardation and thin corpus callosum; Nakamura Osame syndrome; Autosomal recessive hereditary spastic paraplegia, mental impairment, and thin corpus callosum; SPASTIC PARAPLEGIA, AUTOSOMAL RECESSIVE, COMPLICATED, WITH THIN CORPUS CALLOSUM; SPASTIC PARAPLEGIA, AUTOSOMAL RECESSIVE, WITH MENTAL IMPAIRMENT AND THIN CORPUS CALLOSUM; Spastic Paraplegia 11. Identifiers: Orphanet 2822, MedGen C1858479, MONDO:0011445, OMIM 604360.

gnomAD v4.1: 2 of 1,598,900 alleles (0.00013%); highest among the groups gnomAD compares: Non-Finnish European, 0.00017%; no homozygotes.

Submission:

Labcorp Genetics (formerly Invitae), Labcorp
Classification: Likely pathogenic for Hereditary spastic paraplegia 11. Last evaluated: 2026-01-21. Review status: criteria provided, single submitter. Criteria: Invitae Variant Classification Sherloc (09022015). Collection method: clinical testing. Allele origin: germline.
Comment: This sequence change affects an acceptor splice site in intron 16 of the SPG11 gene. It is expected to disrupt RNA splicing. Variants that disrupt the donor or acceptor splice site typically lead to a loss of protein function (PMID: 16199547), and loss-of-function variants in SPG11 are known to be pathogenic (PMID: 19105190, 20110243, 22154821, 26556829). This variant is present in population databases (no rsID available, gnomAD 0.0009%). This variant has not been reported in the literature in individuals affected with SPG11-related conditions. Algorithms developed to predict the effect of sequence changes on RNA splicing suggest that this variant may disrupt the consensus splice site. In summary, the currently available evidence indicates that the variant is pathogenic, but additional data are needed to prove that conclusively. Therefore, this variant has been classified as Likely Pathogenic.

Literature cited by the submitters: PubMed 16199547; PubMed 19105190; PubMed 20110243; PubMed 22154821; PubMed 26556829.